The following is an entry in ClinVar:

NM_000179.3(MSH6):c.3324dup (p.Ile1109fs)

Gene: MSH6 (mutS homolog 6; plus strand). Cytogenetic location: 2p16.3.
Variant type: Duplication.
Coding change: c.3324dup on transcript NM_000179.3 (MANE Select); coding-DNA position 3324, one base duplicated (T; older notation c.3324dupT).
Protein change: p.Ile1109fs; shifts the reading frame from isoleucine 1109.
Molecular consequence: frameshift variant.
Genome position (GRCh38, 1-based): chr2:47,803,571, T duplicated; the last of 4 consecutive T bases (chr2:47,803,568-47,803,571); duplicating any one gives the same sequence. VCF-style (leftmost placement, unchanged base first): chr2-47803567-A-AT. GRCh37 (hg19) VCF-style: chr2-48030706-A-AT.
Other names: c.2934dup, p.Ile979fs (NM_001281492.2); c.2418dup, p.Ile807fs (NM_001281493.2, NM_001281494.2); short protein forms I807fs, I979fs, I1109fs.
Identifiers: ClinVar variation 89373 (VCV000089373.2), dbSNP rs267608088, ClinGen allele CA012588.

ClinVar aggregate classification (germline): Pathogenic (3 of 4 stars; one submission).

Conditions:
Lynch syndrome. Identifiers: Orphanet 144, MedGen C4552100, MONDO:0005835. Disease mechanism: loss of function.

Submission:

International Society for Gastrointestinal Hereditary Tumours (InSiGHT)
Classification: Pathogenic for Lynch Syndrome. Last evaluated: 2013-09-05. Review status: reviewed by expert panel. Criteria: Guidelines v1.9. Collection method: research. Allele origin: germline.
Comment: Coding sequence variation resulting in a stop codon

Classified with v1.9 guidelines